The following is an entry in ClinVar:

ClinVar aggregate classification (germline): Likely benign. Review status: criteria provided, multiple submitters, no conflicts (2 of 4 stars). 6 submissions from 6 submitters: Likely benign (6). Last evaluated 2025-12-09.

Conditions:
Dilated cardiomyopathy 1G (CMD1G). Identifiers: Orphanet 154, MedGen C1858763, MONDO:0011400, OMIM 604145.
Autosomal recessive limb-girdle muscular dystrophy type 2J (LGMDR10). Also called: Limb-girdle muscular dystrophy, type 2J; MUSCULAR DYSTROPHY, LIMB-GIRDLE, AUTOSOMAL RECESSIVE 10. Identifiers: Orphanet 140922, MedGen C1837342, MONDO:0012127, OMIM 608807.
Cardiovascular phenotype. Identifiers: MedGen CN230736.

Allele frequency attached by ClinVar (database versions not stated): gnomAD exomes below 0.00001 and 0.00001; ExAC 0.00001; TOPMed 0.00001.
gnomAD v4.1: 7 of 1,613,184 alleles (0.00043%); highest among the groups gnomAD compares: Non-Finnish European, 0.00059%; no homozygotes.

Submissions (6):

Labcorp Genetics (formerly Invitae), Labcorp
Classification: Likely benign for Dilated cardiomyopathy 1G; Autosomal recessive limb-girdle muscular dystrophy type 2J. Last evaluated: 2025-12-09. Review status: criteria provided, single submitter. Criteria: Invitae Variant Classification Sherloc (09022015). Collection method: clinical testing. Allele origin: germline.

Molecular Diagnostic Laboratory for Inherited Cardiovascular Disease, Montreal Heart Institute
Classification: Likely benign. Last evaluated: 2025-04-09. Review status: criteria provided, single submitter. Criteria: ACMG Guidelines, 2015. Collection method: clinical testing. Allele origin: germline. Affected: no.

Mayo Clinic Laboratories, Mayo Clinic
Classification: Likely benign. Last evaluated: 2025-01-29. Review status: criteria provided, single submitter. Criteria: ACMG Guidelines, 2015. Collection method: clinical testing. Allele origin: germline. Observed: 1 variant allele.
Comment: BP4, BP7

Ambry Genetics
Classification: Likely benign for Cardiovascular phenotype. Last evaluated: 2022-12-11. Review status: criteria provided, single submitter. Criteria: Ambry Variant Classification Scheme 2023. Collection method: clinical testing. Allele origin: germline.

Athena Diagnostics
Classification: Likely benign. Last evaluated: 2020-04-07. Review status: criteria provided, single submitter. Criteria: Athena Diagnostics Criteria. Collection method: clinical testing. Allele origin: unknown.

GeneDx
Classification: Likely benign. Last evaluated: 2017-08-08. Review status: criteria provided, single submitter. Criteria: GeneDx Variant Classification (06012015). Collection method: clinical testing. Allele origin: germline. Affected: yes.
Comment: This variant is considered likely benign or benign based on one or more of the following criteria: it is a conservative change, it occurs at a poorly conserved position in the protein, it is predicted to be benign by multiple in silico algorithms, and/or has population frequency not consistent with disease.

NM_001267550.2(TTN):c.42468T>C (p.Gly14156=)

Gene: TTN (titin; minus strand). Cytogenetic location: 2q31.2.
Variant type: single nucleotide variant.
Coding change: c.42468T>C on transcript NM_001267550.2 (MANE Select); coding-DNA position 42468, T replaced by C.
Protein change: p.Gly14156=; no amino-acid change (glycine 14156 retained).
Molecular consequence: synonymous variant.
Genome position (GRCh38, 1-based): chr2:178,634,031, A>G on the plus strand (T>C on the coding strand, the complement: TTN is on the minus strand). VCF-style: chr2-178634031-A-G. GRCh37 (hg19) VCF-style: chr2-179498758-A-G.
Other names: p.Gly12515=; c.37545T>C, p.Gly12515= (NM_001256850.1); c.15273T>C, p.Gly5091= (NM_003319.4); c.34764T>C, p.Gly11588= (NM_133378.4); c.15648T>C, p.Gly5216= (NM_133432.3); c.15849T>C, p.Gly5283= (NM_133437.4).
Identifiers: ClinVar variation 511443 (VCV000511443.13), dbSNP rs774061049, ClinGen allele CA1996067.
Genomic context (GRCh38, chr2:178,634,031, plus strand): 5'-TTTGAACCAGACTACATGCATTTTTTCATGAGAAAGTTCACAAACAAAAGTTGCTGTTTC[A>G]CCTTCTTTTACTGTTTGATCTTCAAGAGGTGACATGAATTTCAGTCTTATACCTGAAATG-3'
Protein context (NP_001254479.2, residues 14146-14166): SPLEDQTVKE[Gly14156=]ETATFVCELS